The following is an entry in ClinVar:

NM_018896.5(CACNA1G):c.4618T>A (p.Phe1540Ile)

Gene: CACNA1G (calcium voltage-gated channel subunit alpha1 G; plus strand). Cytogenetic location: 17q21.33.
Variant type: single nucleotide variant.
Coding change: c.4618T>A on transcript NM_018896.5 (MANE Select); coding-DNA position 4618, T replaced by A.
Protein change: p.Phe1540Ile; replaces phenylalanine 1540 with isoleucine.
Molecular consequence: missense variant. On other transcripts: non-coding transcript variant (5).
Genome position (GRCh38, 1-based): chr17:50,607,932, T>A. VCF-style: chr17-50607932-T-A. GRCh37 (hg19) VCF-style: chr17-48685293-T-A.
Other names: c.4618T>A, p.Phe1540Ile (NM_001256324.2, NM_001256325.2, NM_001256327.2 and 9 more transcripts); c.4516T>A, p.Phe1506Ile (NM_001256326.2, NM_001256329.2, NM_001256330.2 and 1 more transcripts); c.4447T>A, p.Phe1483Ile (NM_001256332.2); c.4537T>A, p.Phe1513Ile (NM_001256359.2, NM_001256361.2); c.4543T>A, p.Phe1515Ile (NM_001256360.2); c.4549T>A, p.Phe1517Ile (NM_198376.3, NM_198379.3, NM_198382.3 and 4 more transcripts); short protein forms F1506I, F1515I, F1517I, F1483I, F1513I, F1540I.
Identifiers: ClinVar variation 5010173 (VCV005010173.1).
Genomic context (GRCh38, chr17:50,607,932, plus strand): 5'-TTCCTGCTCATTGTGGCCTTCTTTGTCCTGAACATGTTTGTGGGTGTGGTGGTGGAGAAC[T>A]TCCACAAGTGTCGGCAGCACCAGGAGGAAGAGGAGGCCCGGCGGCGGGAGGAGAAGCGCC-3'
Protein context (NP_061496.2, residues 1530-1550): NMFVGVVVEN[Phe1540Ile]HKCRQHQEEE

ClinVar aggregate classification (germline): Uncertain significance (1 of 4 stars; one submission).

Conditions:
Spinocerebellar ataxia type 42. Identifiers: Orphanet 458803, MedGen C4225205, MONDO:0014776, OMIM 616795.

Submission:

MVZ Medizinische Genetik Mainz
Classification: Uncertain significance for Spinocerebellar ataxia type 42. Last evaluated: 2026-09-08. Review status: criteria provided, single submitter. Criteria: UK Practice Guidelines For Variant Classification V4 01 2020. Collection method: clinical testing. Allele origin: germline. Inheritance: Autosomal dominant inheritance. Affected: yes. Observed: 1 variant allele.
Comment: ACMG Criteria: PP3_STR,PM2_SUP